The following is an entry in ClinVar:

ClinVar aggregate classification (germline): Uncertain significance. Review status: criteria provided, multiple submitters, no conflicts (2 of 4 stars). 5 submissions from 5 submitters: Uncertain significance (5). Last evaluated 2025-12-09.

Conditions:
Lynch syndrome 5 (LYNCH5). Also called: Colorectal cancer, hereditary nonpolyposis, type 5; Hereditary non-polyposis colorectal cancer, type 5. Identifiers: Orphanet 144, MedGen C1833477, MONDO:0013710, OMIM 614350. Disease mechanism: loss of function.
Hereditary cancer-predisposing syndrome. Also called: Neoplastic Syndromes, Hereditary; Tumor predisposition; Hereditary Cancer Syndrome; Hereditary neoplastic syndrome. Identifiers: Orphanet 140162, MedGen C0027672, MeSH D009386, MONDO:0015356.
Hereditary nonpolyposis colorectal neoplasms. Identifiers: MedGen C0009405, MeSH D003123.

gnomAD v4.1: 1 of 1,614,072 alleles (0.000062%); highest among the groups gnomAD compares: Non-Finnish European, 0.000085%; no homozygotes.

Submissions (5):

Labcorp Genetics (formerly Invitae), Labcorp
Classification: Uncertain significance for Hereditary nonpolyposis colorectal neoplasms. Last evaluated: 2025-12-09. Review status: criteria provided, single submitter. Criteria: Invitae Variant Classification Sherloc (09022015). Collection method: clinical testing. Allele origin: germline.
Comment: This sequence change replaces threonine, which is neutral and polar, with alanine, which is neutral and non-polar, at codon 1238 of the MSH6 protein (p.Thr1238Ala). This variant is not present in population databases (gnomAD no frequency). This variant has not been reported in the literature in individuals affected with MSH6-related conditions. ClinVar contains an entry for this variant (Variation ID: 919890). Invitae Evidence Modeling of protein sequence and biophysical properties (such as structural, functional, and spatial information, amino acid conservation, physicochemical variation, residue mobility, and thermodynamic stability) indicates that this missense variant is not expected to disrupt MSH6 protein function with a negative predictive value of 95%. In summary, the available evidence is currently insufficient to determine the role of this variant in disease. Therefore, it has been classified as a Variant of Uncertain Significance.

Helix
Classification: Uncertain significance for Lynch syndrome 5. Last evaluated: 2025-09-15. Review status: criteria provided, single submitter. Criteria: ACMG Guidelines, 2015. Collection method: clinical testing. Allele origin: germline. Inheritance: Autosomal dominant inheritance.
Comment: This variant (NM_000179.3:c.3712A>G p.Thr1238Ala) results in the substitution of threonine with alanine at codon 1238 in the MSH6 protein. It is present in the gnomAD population database (v4.1) at the highest allele frequency in the European (non-Finnish) subpopulation among non-founder subpopulations (1/1179936 alleles, 0.000085%). To our knowledge, this variant has not been reported in individuals with MSH6-related conditions in the published literature. In silico prediction from the HCI Database of Prior Probabilities of Pathogenicity suggests that this variant may be benign. This variant is present in ClinVar (Accession: VCV000919890.7). In conclusion, since the available evidence is limited, the clinical significance of this variant is unclear at this time. Therefore, it is classified as a Variant of Uncertain Significance.

Color Diagnostics, LLC DBA Color Health
Classification: Uncertain significance for Hereditary cancer-predisposing syndrome. Last evaluated: 2024-03-07. Review status: criteria provided, single submitter. Criteria: ACMG Guidelines, 2015. Collection method: clinical testing. Allele origin: germline.
Comment: This missense variant replaces threonine with alanine at codon 1238 of the MSH6 protein. Computational prediction suggests that this variant may not impact protein structure and function (internally defined REVEL score threshold <= 0.5, PMID: 27666373). Splice site prediction tools suggest that this variant may not impact RNA splicing. To our knowledge, functional studies have not been performed for this variant. This variant has not been reported in individuals affected with hereditary cancer in the literature. This variant has not been identified in the general population by the Genome Aggregation Database (gnomAD). The available evidence is insufficient to determine the role of this variant in disease conclusively. Therefore, this variant is classified as a Variant of Uncertain Significance.

GeneDx
Classification: Uncertain significance. Last evaluated: 2023-12-20. Review status: criteria provided, single submitter. Criteria: GeneDx Variant Classification Process June 2021. Collection method: clinical testing. Allele origin: germline. Affected: yes.
Comment: Not observed at significant frequency in large population cohorts (gnomAD); In silico analysis supports that this missense variant does not alter protein structure/function; Has not been previously published as pathogenic or benign to our knowledge; This variant is associated with the following publications: (PMID: 17531815, 21120944)

Ambry Genetics
Classification: Uncertain significance for Hereditary cancer-predisposing syndrome. Last evaluated: 2023-09-13. Review status: criteria provided, single submitter. Criteria: Ambry Variant Classification Scheme 2023. Collection method: clinical testing. Allele origin: germline.
Comment: The p.T1238A variant (also known as c.3712A>G), located in coding exon 8 of the MSH6 gene, results from an A to G substitution at nucleotide position 3712. The threonine at codon 1238 is replaced by alanine, an amino acid with similar properties. This amino acid position is conserved. In addition, this alteration is predicted to be tolerated by in silico analysis. Since supporting evidence is limited at this time, the clinical significance of this alteration remains unclear.

NM_000179.3(MSH6):c.3712A>G (p.Thr1238Ala)

Gene: MSH6 (mutS homolog 6; plus strand). Cytogenetic location: 2p16.3.
Variant type: single nucleotide variant.
Coding change: c.3712A>G on transcript NM_000179.3 (MANE Select); coding-DNA position 3712, A replaced by G.
Protein change: p.Thr1238Ala; replaces threonine 1238 with alanine.
Molecular consequence: missense variant.
Genome position (GRCh38, 1-based): chr2:47,806,269, A>G. VCF-style: chr2-47806269-A-G. GRCh37 (hg19) VCF-style: chr2-48033408-A-G.
Other names: c.3322A>G, p.Thr1108Ala (NM_001281492.2); c.2806A>G, p.Thr936Ala (NM_001281493.2, NM_001281494.2); short protein forms T1238A, T936A, T1108A.
Identifiers: ClinVar variation 919890 (VCV000919890.9), dbSNP rs1000702910, ClinGen allele CA346761002.
Genomic context (GRCh38, chr2:47,806,269, plus strand): 5'-GGTACTGCAACATTTGATGGGACGGCAATAGCAAATGCAGTTGTTAAAGAACTTGCTGAG[A>G]CTATAAAATGTCGTACATTATTTTCAACTCACTACCATTCATTAGTAGAAGATTATTCTC-3'
Protein context (NP_000170.1, residues 1228-1248): ANAVVKELAE[Thr1238Ala]IKCRTLFSTH